The following is an entry in ClinVar:

ClinVar aggregate classification (germline): Pathogenic (1 of 4 stars; one submission).

Conditions:
Cerebral cavernous malformation 3. Also called: Familial Cerebral Cavernous Malformation 3. Identifiers: Orphanet 221061, MedGen C1864040, MONDO:0011305, OMIM 603285.

Submission:

Labcorp Genetics (formerly Invitae), Labcorp
Classification: Pathogenic for Cerebral cavernous malformation 3. Last evaluated: 2020-03-06. Review status: criteria provided, single submitter. Criteria: Invitae Variant Classification Sherloc (09022015). Collection method: clinical testing. Allele origin: germline.
Comment: This variant is a gross deletion of the genomic region encompassing exons 2-3 of the PDCD10 gene, which includes the initiator codon. The 5' end of this event is unknown as it extends beyond the assayed region for this gene and therefore may encompass additional genes. The 3' boundary is likely confined to intron 3 of the PDCD10 gene. This is expected to result in an absent or disrupted protein product. For these reasons, this variant has been classified as Pathogenic. Loss-of-function variants in PDCD10 are known to be pathogenic (PMID: 15543491, 18300272, 23801932). Similar deletions have been observed in individual(s) with diagnosis of, or clinical features of, cerebral cavernous malformations (PMID: 23595507, 23801932).

Literature cited by the submitters: PubMed 15543491; PubMed 18300272; PubMed 23801932; PubMed 23595507.

NC_000003.11:g.(?_167422610)_(167437965_?)del

Gene: PDCD10 (programmed cell death 10; minus strand). Cytogenetic location: 3q26.1.
Variant type: Deletion.
Identifiers: ClinVar variation 1075385 (VCV001075385.7).